The following is an entry in ClinVar:

NM_003443.3(ZBTB17):c.395-17C>T

Gene: ZBTB17 (zinc finger and BTB domain containing 17; minus strand). Cytogenetic location: 1p36.13.
Variant type: single nucleotide variant.
Coding change: c.395-17C>T on transcript NM_003443.3 (MANE Select); 17 bases into the intron before coding-DNA position 395, C replaced by T.
Molecular consequence: intron variant. On other transcripts: synonymous variant (1).
Genome position (GRCh38, 1-based): chr1:15,946,311, G>A on the plus strand (C>T on the coding strand, the complement: ZBTB17 is on the minus strand). VCF-style: chr1-15946311-G-A. GRCh37 (hg19) VCF-style: chr1-16272806-G-A.
Other names: c.132C>T, p.Cys44= (NM_001242884.2); c.167-17C>T (NM_001324137.2, NM_001287604.2); c.206-17C>T (NM_001324138.2); c.395-17C>T (NM_001287603.2).
Identifiers: ClinVar variation 3038404 (VCV003038404.2), dbSNP rs112062500, ClinGen allele CA621448.
Genomic context (GRCh38, chr1:15,946,311, plus strand): 5'-CGTGCTGGTGGCCACCTTCTCCTCTTTGGCTCTCTTGTCCCCTCCTGGAGATGGAACAGG[G>A]CAGACCTGCCGTTTCCCATCAAGTGCCCGCCATCTGGAGGTGTGAGGTGGCCCAGAACTT-3'

ClinVar aggregate classification (germline): Benign (0 of 4 stars; one submission).

Conditions:
ZBTB17-related disorder. Also called: ZBTB17-related condition.

Allele frequency attached by ClinVar (database versions not stated): TOPMed 0.00188; ESP Exome Variant Server 0.00200; gnomAD 0.00251; ExAC 0.00457; 1000 Genomes Project 30x 0.00515; 1000 Genomes Project 0.00579.
gnomAD v4.1: 5,253 of 1,600,748 alleles (0.33%); highest among the groups gnomAD compares: South Asian, 2%; 46 homozygotes.

Submission:

PreventionGenetics, part of Exact Sciences
Classification: Benign for ZBTB17-related condition. Last evaluated: 2019-05-10. Review status: no assertion criteria provided. Collection method: clinical testing. Allele origin: germline.
Comment: This variant is classified as benign based on ACMG/AMP sequence variant interpretation guidelines (Richards et al. 2015 PMID: 25741868, with internal and published modifications).